The following is an entry in ClinVar:

NM_000350.3(ABCA4):c.2703A>G (p.Thr901=)

Gene: ABCA4 (ATP binding cassette subfamily A member 4; minus strand). Cytogenetic location: 1p22.1.
Variant type: single nucleotide variant.
Coding change: c.2703A>G on transcript NM_000350.3 (MANE Select); coding-DNA position 2703, A replaced by G.
Protein change: p.Thr901=; no amino-acid change (threonine 901 retained).
Molecular consequence: synonymous variant.
Genome position (GRCh38, 1-based): chr1:94,048,908, T>C on the plus strand (A>G on the coding strand, the complement: ABCA4 is on the minus strand). VCF-style: chr1-94048908-T-C. GRCh37 (hg19) VCF-style: chr1-94514464-T-C.
Other names: c.2481A>G, p.Thr827= (NM_001425324.1).
Identifiers: ClinVar variation 99156 (VCV000099156.10), dbSNP rs61749442, ClinGen allele CA227027.

ClinVar aggregate classification (germline): Likely benign. Review status: criteria provided, multiple submitters, no conflicts (2 of 4 stars). 3 submissions from 3 submitters: Likely benign (2). 1 of the submissions does not count toward it. Last evaluated 2025-04-11.

Conditions:
ABCA4-related disorder. Also called: ABCA4-related condition; ABCA4-related disorders. Identifiers: MedGen CN239167.

Allele frequency attached by ClinVar (database versions not stated): ExAC 0.00002; TOPMed 0.00002; gnomAD exomes 0.00004 and 0.00007; gnomAD 0.00005.

Submissions (3):

PreventionGenetics, part of Exact Sciences
Classification: Likely benign for ABCA4-related condition. Last evaluated: 2025-04-11. Review status: criteria provided, single submitter. Criteria: ACMG Guidelines, 2015. Collection method: clinical testing. Allele origin: germline.
Comment: This variant is classified as likely benign based on ACMG/AMP sequence variant interpretation guidelines (Richards et al. 2015 PMID: 25741868, with internal and published modifications).

Labcorp Genetics (formerly Invitae), Labcorp
Classification: Likely benign. Last evaluated: 2023-12-21. Review status: criteria provided, single submitter. Criteria: Invitae Variant Classification Sherloc (09022015). Collection method: clinical testing. Allele origin: germline.

Retina International
No classification provided. Review status: no classification provided. Collection method: not provided. Allele origin: not provided. Not counted in ClinVar's aggregate classification.